The following is an entry in ClinVar:

NM_015100.4(POGZ):c.459+6T>C

Gene: POGZ (pogo transposable element derived with ZNF domain; minus strand). Cytogenetic location: 1q21.3.
Variant type: single nucleotide variant.
Coding change: c.459+6T>C on transcript NM_015100.4 (MANE Select); 6 bases into the intron after coding-DNA position 459, T replaced by C.
Molecular consequence: intron variant.
Genome position (GRCh38, 1-based): chr1:151,430,660, A>G on the plus strand (T>C on the coding strand, the complement: POGZ is on the minus strand). VCF-style: chr1-151430660-A-G. GRCh37 (hg19) VCF-style: chr1-151403136-A-G.
Other names: c.300+6T>C (NM_001194938.2, NM_207171.2); c.284-2247T>C (NM_145796.4); c.459+6T>C (NM_001194937.2); c.480+6T>C (NM_001410860.1).
Identifiers: ClinVar variation 4846902 (VCV004846902.1).
Genomic context (GRCh38, chr1:151,430,660, plus strand): 5'-CAGAGTTTTCAGAGGTTTATAGTCTTTCTCTCCTCTAGCAACCTTGGAATTCAGAGTCCT[A>G]CTCACCTGCGTAGTGATAAATATTGGTTGTGAGGCCACAGGGGAACTAGTCACATGATTG-3'

ClinVar aggregate classification (germline): Uncertain significance (1 of 4 stars; one submission).

Conditions:
Intellectual disability-microcephaly-strabismus-behavioral abnormalities syndrome. Also called: White-Sutton Syndrome. Identifiers: Orphanet 468678, MedGen C4225351, MONDO:0014606, OMIM 616364.

Submission:

Laboratorio de Genetica e Diagnostico Molecular, Hospital Israelita Albert Einstein
Classification: Uncertain significance for Intellectual disability-microcephaly-strabismus-behavioral abnormalities syndrome. Last evaluated: 2025-12-16. Review status: criteria provided, single submitter. Criteria: ACMG Guidelines, 2015. Collection method: clinical testing. Allele origin: germline. Affected: yes.
Comment: ACMG classification criteria: PM2 supporting, BP4 supporting